The following is an entry in ClinVar:

NM_001904.4(CTNNB1):c.*555T>G

Gene: CTNNB1 (catenin beta 1; plus strand). Cytogenetic location: 3p22.1.
Variant type: single nucleotide variant.
Coding change: c.*555T>G on transcript NM_001904.4 (MANE Select); 555 bases downstream of the stop codon, T replaced by G.
Molecular consequence: 3 prime UTR variant.
Genome position (GRCh38, 1-based): chr3:41,239,897, T>G. VCF-style: chr3-41239897-T-G. GRCh37 (hg19) VCF-style: chr3-41281388-T-G.
Other names: c.*250T>G (NM_001098209.2, NM_001330729.2); c.*91T>G (NM_001098210.2).
Identifiers: ClinVar variation 1235713 (VCV001235713.4), dbSNP rs2953, ClinGen allele CA11441553.

ClinVar aggregate classification (germline): Benign. Review status: criteria provided, multiple submitters, no conflicts (2 of 4 stars). 2 submissions from 2 submitters: Benign (2). Last evaluated 2020-02-17.

Allele frequency attached by ClinVar (database versions not stated): 1000 Genomes Project 30x 0.36368; 1000 Genomes Project 0.36522; TOPMed 0.39860; gnomAD 0.40938 and 0.40990; gnomAD exomes 0.45014.
gnomAD v4.1: 89,067 of 211,094 alleles (42%); highest among the groups gnomAD compares: Non-Finnish European, 47%; 18,825 homozygotes.

Submissions (2):

GeneDx
Classification: Benign. Last evaluated: 2020-02-17. Review status: criteria provided, single submitter. Criteria: GeneDx Variant Classification Process June 2021. Collection method: clinical testing. Allele origin: germline. Affected: yes.
Comment: This variant is associated with the following publications: (PMID: 33789307, 30280518)

Breakthrough Genomics
Classification: Benign. Review status: criteria provided, single submitter. Criteria: ACMG Guidelines, 2015. Collection method: not provided. Allele origin: germline. Inheritance: Autosomal dominant inheritance. Affected: yes.